The following is an entry in ClinVar:

ClinVar aggregate classification (germline): Conflicting classifications of pathogenicity. Review status: criteria provided, conflicting classifications (1 of 4 stars). 2 submissions from 2 submitters: Uncertain significance (1); Benign (1). Last evaluated 2024-10-24.

Allele frequency attached by ClinVar (database versions not stated): gnomAD exomes below 0.00001.
gnomAD v4.1: 1 of 1,545,522 alleles (0.000065%); highest among the groups gnomAD compares: Non-Finnish European, 0.000087%; no homozygotes.

Submissions (2):

Labcorp Genetics (formerly Invitae), Labcorp
Classification: Benign. Last evaluated: 2024-10-24. Review status: criteria provided, single submitter. Criteria: Invitae Variant Classification Sherloc (09022015). Collection method: clinical testing. Allele origin: germline.

CeGaT Center for Human Genetics Tuebingen
Classification: Uncertain significance. Last evaluated: 2023-11-01. Review status: criteria provided, single submitter. Criteria: CeGaT Center For Human Genetics Tuebingen Variant Classification Criteria Version 2. Collection method: clinical testing. Allele origin: germline. Affected: yes. Observed: 1 variant allele.
Comment: ZSWIM6: PM2, BP4

NM_020928.2(ZSWIM6):c.2539+6G>A

Gene: ZSWIM6 (zinc finger SWIM-type containing 6; plus strand). Cytogenetic location: 5q12.1.
Variant type: single nucleotide variant.
Coding change: c.2539+6G>A on transcript NM_020928.2 (MANE Select); 6 bases into the intron after coding-DNA position 2539, G replaced by A.
Molecular consequence: intron variant.
Genome position (GRCh38, 1-based): chr5:61,538,977, G>A. VCF-style: chr5-61538977-G-A. GRCh37 (hg19) VCF-style: chr5-60834804-G-A.
Identifiers: ClinVar variation 2673014 (VCV002673014.26), dbSNP rs2478390820, ClinGen allele CA2673974941.
Genomic context (GRCh38, chr5:61,538,977, plus strand): 5'-CACATTGAGTCCCAGCAGTGTGAGCTGGCATCCACCATGCTAACTGCAGCCAAAGGTACT[G>A]TACTGTCCTGAGGCCTCATAATTGTTTCATTCGTTTGCCTGTTTATTTTTTTTAAGTCTT-3'